The following is an entry in ClinVar:

ClinVar aggregate classification (germline): Benign. Review status: criteria provided, single submitter (1 of 4 stars). 2 submissions from 1 submitter: Benign (2). Last evaluated 2018-01-13.

Conditions:
Tuberous sclerosis 1 (TSC1). Identifiers: Orphanet 805, MedGen C1854465, MONDO:0008612, OMIM 191100.
Isolated focal cortical dysplasia type II (FCORD2). Also called: CORTICAL DYSPLASIA OF TAYLOR; Focal cortical dysplasia type II. Identifiers: Orphanet 268994, MedGen C1846385, MONDO:0011818, OMIM 607341, HP:0032051.

Allele frequency attached by ClinVar (database versions not stated): gnomAD exomes 0.00494; gnomAD 0.01175; 1000 Genomes Project 0.01258; TOPMed 0.01322; 1000 Genomes Project 30x 0.01327.
gnomAD v4.1: 2,373 of 233,298 alleles (1%); highest among the groups gnomAD compares: African/African-American, 3.5%; 45 homozygotes.

Submissions (2):

Illumina Laboratory Services, Illumina
Classification: Benign for Tuberous sclerosis 1. Last evaluated: 2018-01-13. Review status: criteria provided, single submitter. Criteria: ICSL Variant Classification Criteria 13 December 2019. Collection method: clinical testing. Allele origin: germline.
Comment: This variant was observed in the ICSL laboratory as part of a predisposition screen in an ostensibly healthy population. It had not been previously curated by ICSL or reported in the Human Gene Mutation Database (HGMD: prior to June 1st, 2018), and was therefore a candidate for classification through an automated scoring system. Utilizing variant allele frequency, disease prevalence and penetrance estimates, and inheritance mode, an automated score was calculated to assess if this variant is too frequent to cause the disease. Based on the score and internal cut-off values, a variant classified as benign is not then subjected to further curation. The score for this variant resulted in a classification of benign for this disease.

Illumina Laboratory Services, Illumina
Classification: Benign for Isolated focal cortical dysplasia type II. Last evaluated: 2018-01-13. Review status: criteria provided, single submitter. Criteria: ICSL Variant Classification Criteria 13 December 2019. Collection method: clinical testing. Allele origin: germline.
Comment: the same text as in the submission from Illumina Laboratory Services, Illumina above.

NM_000368.5(TSC1):c.*2418G>A

Gene: TSC1 (TSC complex subunit 1; minus strand). Cytogenetic location: 9q34.13.
Variant type: single nucleotide variant.
Coding change: c.*2418G>A on transcript NM_000368.5 (MANE Select); 2418 bases downstream of the stop codon, G replaced by A.
Molecular consequence: 3 prime UTR variant.
Genome position (GRCh38, 1-based): chr9:132,893,817, C>T on the plus strand (G>A on the coding strand, the complement: TSC1 is on the minus strand). VCF-style: chr9-132893817-C-T. GRCh37 (hg19) VCF-style: chr9-135769204-C-T.
Other names: c.*2418G>A (NM_001162426.2, NM_001162427.2, NM_001362177.2).
Identifiers: ClinVar variation 365455 (VCV000365455.5), dbSNP rs114415181, ClinGen allele CA10629325.